The following is an entry in ClinVar:

ClinVar aggregate classification (germline): Uncertain significance. Review status: criteria provided, multiple submitters, no conflicts (2 of 4 stars). 2 submissions from 2 submitters: Uncertain significance (2). Last evaluated 2026-01-21.

Conditions:
Emery-Dreifuss muscular dystrophy 5, autosomal dominant (EDMD5). Also called: EMERY-DREIFUSS MUSCULAR DYSTROPHY 5. Identifiers: Orphanet 261, MedGen C2751805, MONDO:0013072, OMIM 612999.

Allele frequency attached by ClinVar (database versions not stated): gnomAD 0.00002 and 0.00003; gnomAD exomes 0.00002 and 0.00007; TOPMed 0.00004; ExAC 0.00005.
gnomAD v4.1: 32 of 1,614,094 alleles (0.002%); highest among the groups gnomAD compares: Admixed American, 0.035%; no homozygotes.

Submissions (2):

Labcorp Genetics (formerly Invitae), Labcorp
Classification: Uncertain significance for Emery-Dreifuss muscular dystrophy 5, autosomal dominant. Last evaluated: 2026-01-21. Review status: criteria provided, single submitter. Criteria: Invitae Variant Classification Sherloc (09022015). Collection method: clinical testing. Allele origin: germline.
Comment: This sequence change replaces arginine, which is basic and polar, with histidine, which is basic and polar, at codon 6136 of the SYNE2 protein (p.Arg6136His). This variant is present in population databases (rs761163756, gnomAD 0.05%), and has an allele count higher than expected for a pathogenic variant. This variant has not been reported in the literature in individuals affected with SYNE2-related conditions. ClinVar contains an entry for this variant (Variation ID: 947284). An algorithm developed to predict the effect of missense changes on protein structure and function (PolyPhen-2) suggests that this variant is likely to be disruptive. In summary, the available evidence is currently insufficient to determine the role of this variant in disease. Therefore, it has been classified as a Variant of Uncertain Significance.

Ambry Genetics
Classification: Uncertain significance. Last evaluated: 2025-02-24. Review status: criteria provided, single submitter. Criteria: Ambry Variant Classification Scheme 2023. Collection method: clinical testing. Allele origin: germline.

NM_182914.3(SYNE2):c.18407G>A (p.Arg6136His)

Gene: SYNE2 (spectrin repeat containing nuclear envelope protein 2; plus strand). Cytogenetic location: 14q23.2.
Variant type: single nucleotide variant.
Coding change: c.18407G>A on transcript NM_182914.3 (MANE Select); coding-DNA position 18407, G replaced by A.
Protein change: p.Arg6136His; replaces arginine 6136 with histidine.
Molecular consequence: missense variant.
Genome position (GRCh38, 1-based): chr14:64,209,445, G>A. VCF-style: chr14-64209445-G-A. GRCh37 (hg19) VCF-style: chr14-64676163-G-A.
Other names: c.18407G>A, p.Arg6136His (NM_015180.6); short protein forms R6136H.
Identifiers: ClinVar variation 947284 (VCV000947284.11), dbSNP rs761163756, ClinGen allele CA7224088.